The following is an entry in ClinVar:

ClinVar aggregate classification (germline): Uncertain significance (1 of 4 stars; one submission).

Allele frequency attached by ClinVar (database versions not stated): gnomAD exomes below 0.00001 and 0.00002; ExAC 0.00001; TOPMed 0.00002; gnomAD 0.00003.

Submission:

Center for Pediatric Genomic Medicine, Children's Mercy Hospital and Clinics
Classification: Uncertain significance. Last evaluated: 2016-10-31. Review status: criteria provided, single submitter. Criteria: ACMG Guidelines, 2015. Collection method: clinical testing. Allele origin: germline.
ClinVar note: Converted during submission from Uncertain Significance to Uncertain significance.

NM_016824.5(ADD3):c.2101_2103del (p.Lys701del)

Gene: ADD3 (adducin 3; plus strand). Cytogenetic location: 10q25.2.
Variant type: Deletion.
Coding change: c.2101_2103del on transcript NM_016824.5 (MANE Select); coding-DNA positions 2101 to 2103, 3 bases deleted (AAG; older notation c.2101_2103delAAG).
Protein change: p.Lys701del; deletes lysine 701.
Molecular consequence: inframe deletion.
Genome position (GRCh38, 1-based): chr10:110,133,598-110,133,600, AAG deleted. VCF-style (leftmost placement, unchanged base first): chr10-110133597-AAAG-A. GRCh37 (hg19) VCF-style: chr10-111893355-AAAG-A.
Other names: c.2005_2007del, p.Lys669del (NM_001121.4, NM_019903.5); c.2101_2103del, p.Lys701del (NM_001320591.2, NM_001320592.2, NM_001320593.2); c.1867_1869del, p.Lys623del (NM_001320594.2); short protein forms K701del, K669del, K623del.
Identifiers: ClinVar variation 377292 (VCV000377292.3), dbSNP rs765847432, ClinGen allele CA5686812.